The following is an entry in ClinVar:

NM_005188.4(CBL):c.18G>T (p.Lys6Asn)

Genes: CBL (Cbl proto-oncogene; plus strand), LOC130006895 (ATAC-STARR-seq lymphoblastoid silent region 3975; plus strand). Cytogenetic location: 11q23.3.
Variant type: single nucleotide variant.
Coding change: c.18G>T on transcript NM_005188.4 (MANE Select); coding-DNA position 18, G replaced by T.
Protein change: p.Lys6Asn; replaces lysine 6 with asparagine.
Molecular consequence: missense variant.
Genome position (GRCh38, 1-based): chr11:119,206,435, G>T. VCF-style: chr11-119206435-G-T. GRCh37 (hg19) VCF-style: chr11-119077145-G-T.
Other names: short protein forms K6N.
Identifiers: ClinVar variation 1782288 (VCV001782288.4), dbSNP rs1481598770, ClinGen allele CA382975627.

ClinVar aggregate classification (germline): Uncertain significance. Review status: criteria provided, multiple submitters, no conflicts (2 of 4 stars). 3 submissions from 3 submitters: Uncertain significance (3). Last evaluated 2025-06-08.

Conditions:
Cardiovascular phenotype. Identifiers: MedGen CN230736.
RASopathy. Also called: rasopathies; Noonan spectrum disorder. Identifiers: Orphanet 536391, MedGen C5555857, MONDO:0021060.

Allele frequency attached by ClinVar (database versions not stated): TOPMed below 0.00001.
gnomAD v4.1: 6 of 1,573,854 alleles (0.00038%); highest among the groups gnomAD compares: South Asian, 0.0035%; no homozygotes.

Submissions (3):

Labcorp Genetics (formerly Invitae), Labcorp
Classification: Uncertain significance for RASopathy. Last evaluated: 2025-06-08. Review status: criteria provided, single submitter. Criteria: Invitae Variant Classification Sherloc (09022015). Collection method: clinical testing. Allele origin: germline.
Comment: This sequence change replaces lysine, which is basic and polar, with asparagine, which is neutral and polar, at codon 6 of the CBL protein (p.Lys6Asn). The frequency data for this variant in the population databases is considered unreliable, as metrics indicate poor data quality at this position in the gnomAD database. This variant has not been reported in the literature in individuals affected with CBL-related conditions. ClinVar contains an entry for this variant (Variation ID: 1782288). Invitae Evidence Modeling of protein sequence and biophysical properties (such as structural, functional, and spatial information, amino acid conservation, physicochemical variation, residue mobility, and thermodynamic stability) indicates that this missense variant is not expected to disrupt CBL protein function with a negative predictive value of 95%. In summary, the available evidence is currently insufficient to determine the role of this variant in disease. Therefore, it has been classified as a Variant of Uncertain Significance.

Women's Health and Genetics/Laboratory Corporation of America, LabCorp
Classification: Uncertain significance. Last evaluated: 2023-04-10. Review status: criteria provided, single submitter. Criteria: LabCorp Variant Classification Summary - May 2015. Collection method: clinical testing. Allele origin: germline.
Comment: Variant summary: CBL c.18G>T (p.Lys6Asn) results in a non-conservative amino acid change in the encoded protein sequence. Three of five in-silico tools predict a damaging effect of the variant on protein function. The variant allele was found at a frequency of 1.6e-05 in 187780 control chromosomes. The available data on variant occurrences in the general population are insufficient to allow any conclusion about variant significance. To our knowledge, no occurrence of c.18G>T in individuals affected with Noonan Syndrome-Like Disorder and no experimental evidence demonstrating its impact on protein function have been reported. One clinical diagnostic laboratory has submitted clinical-significance assessments for this variant to ClinVar after 2014 and classified the variant as uncertain significance. Based on the evidence outlined above, the variant was classified as uncertain significance.

Ambry Genetics
Classification: Uncertain significance for Cardiovascular phenotype. Last evaluated: 2022-08-22. Review status: criteria provided, single submitter. Criteria: Ambry Variant Classification Scheme 2023. Collection method: clinical testing. Allele origin: germline.
Comment: The p.K6N variant (also known as c.18G>T), located in coding exon 1 of the CBL gene, results from a G to T substitution at nucleotide position 18. The lysine at codon 6 is replaced by asparagine, an amino acid with similar properties. This amino acid position is conserved. In addition, this alteration is predicted to be tolerated by in silico analysis. Since supporting evidence is limited at this time, the clinical significance of this alteration remains unclear.